The following is an entry in ClinVar:

NM_018418.5(SPATA7):c.1775T>C (p.Ile592Thr)

Gene: SPATA7 (spermatogenesis associated 7; plus strand). Cytogenetic location: 14q31.3.
Variant type: single nucleotide variant.
Coding change: c.1775T>C on transcript NM_018418.5 (MANE Select); coding-DNA position 1775, T replaced by C.
Protein change: p.Ile592Thr; replaces isoleucine 592 with threonine.
Molecular consequence: missense variant.
Genome position (GRCh38, 1-based): chr14:88,438,397, T>C. VCF-style: chr14-88438397-T-C. GRCh37 (hg19) VCF-style: chr14-88904741-T-C.
Other names: c.1679T>C, p.Ile560Thr (NM_001040428.4); short protein forms I560T, I592T.
Identifiers: ClinVar variation 1349736 (VCV001349736.8), dbSNP rs2140031893, ClinGen allele CA390574475.
Genomic context (GRCh38, chr14:88,438,397, plus strand): 5'-TCAAAGGCGACAATAATCATGACATGGAGTTATCAACTCTTAAAATCATGGAAATGAGCA[T>C]TGAGGACTGCCCTTTGGATGTTTAATCTTCATTAATAAATACCTCAAATGGCCAGTAACT-3'
Protein context (NP_060888.2, residues 582-599): LSTLKIMEMS[Ile592Thr]EDCPLDV

ClinVar aggregate classification (germline): Uncertain significance (1 of 4 stars; one submission).

Conditions:
Leber congenital amaurosis 3 (LCA3). Also called: SPATA7-Related Retinitis Pigmentosa. Identifiers: MedGen C1858677, MONDO:0011415, OMIM 604232.

Submission:

Labcorp Genetics (formerly Invitae), Labcorp
Classification: Uncertain significance for Leber congenital amaurosis 3. Last evaluated: 2021-05-06. Review status: criteria provided, single submitter. Criteria: Invitae Variant Classification Sherloc (09022015). Collection method: clinical testing. Allele origin: germline.
Comment: This sequence change replaces isoleucine with threonine at codon 592 of the SPATA7 protein (p.Ile592Thr). The isoleucine residue is highly conserved and there is a moderate physicochemical difference between isoleucine and threonine. This variant is not present in population databases (ExAC no frequency). This variant has not been reported in the literature in individuals with SPATA7-related conditions. Algorithms developed to predict the effect of missense changes on protein structure and function output the following: SIFT: "Deleterious"; PolyPhen-2: "Benign"; Align-GVGD: "Class C0". The threonine amino acid residue is found in multiple mammalian species, suggesting that this missense change does not adversely affect protein function. These predictions have not been confirmed by published functional studies and their clinical significance is uncertain. In summary, the available evidence is currently insufficient to determine the role of this variant in disease. Therefore, it has been classified as a Variant of Uncertain Significance.